The following is an entry in ClinVar:

NM_001164508.2(NEB):c.1258A>G (p.Lys420Glu)

Gene: NEB (nebulin; minus strand). Cytogenetic location: 2q23.3.
Variant type: single nucleotide variant.
Coding change: c.1258A>G on transcript NM_001164508.2 (MANE Select); coding-DNA position 1258, A replaced by G.
Protein change: p.Lys420Glu; replaces lysine 420 with glutamic acid.
Molecular consequence: missense variant.
Genome position (GRCh38, 1-based): chr2:151,697,457, T>C on the plus strand (A>G on the coding strand, the complement: NEB is on the minus strand). VCF-style: chr2-151697457-T-C. GRCh37 (hg19) VCF-style: chr2-152553971-T-C.
Other names: c.1258A>G, p.Lys420Glu (NM_001164507.2, NM_001271208.2, NM_004543.5); short protein forms K420E.
Identifiers: ClinVar variation 510855 (VCV000510855.4), dbSNP rs200298261, ClinGen allele CA1911627.

ClinVar aggregate classification (germline): Conflicting classifications of pathogenicity. Review status: criteria provided, conflicting classifications (1 of 4 stars). 2 submissions from 2 submitters: Uncertain significance (1); Likely benign (1). Last evaluated 2020-04-17.

Allele frequency attached by ClinVar (database versions not stated): gnomAD 0.00001; TOPMed 0.00002; gnomAD exomes 0.00005 and 0.00014; ExAC 0.00024.
gnomAD v4.1: 91 of 1,611,576 alleles (0.0056%); highest among the groups gnomAD compares: Non-Finnish European, 0.0049%; 1 homozygote.

Submissions (2):

Revvity Omics, Revvity
Classification: Uncertain significance. Last evaluated: 2020-04-17. Review status: criteria provided, single submitter. Criteria: ACMG Guidelines, 2015. Collection method: clinical testing. Allele origin: germline.

GeneDx
Classification: Likely benign. Last evaluated: 2017-07-18. Review status: criteria provided, single submitter. Criteria: GeneDx Variant Classification (06012015). Collection method: clinical testing. Allele origin: germline. Affected: yes.
Comment: This variant is considered likely benign or benign based on one or more of the following criteria: it is a conservative change, it occurs at a poorly conserved position in the protein, it is predicted to be benign by multiple in silico algorithms, and/or has population frequency not consistent with disease.